The following is an entry in ClinVar:

NM_015602.4(TOR1AIP1):c.119G>C (p.Ser40Thr)

Genes: TOR1AIP1 (torsin 1A interacting protein 1; plus strand), LOC112577517 (Sharpr-MPRA regulatory region 13766; plus strand). Cytogenetic location: 1q25.2.
Variant type: single nucleotide variant.
Coding change: c.119G>C on transcript NM_015602.4 (MANE Select); coding-DNA position 119, G replaced by C.
Protein change: p.Ser40Thr; replaces serine 40 with threonine.
Molecular consequence: missense variant.
Genome position (GRCh38, 1-based): chr1:179,882,621, G>C. VCF-style: chr1-179882621-G-C. GRCh37 (hg19) VCF-style: chr1-179851756-G-C.
Other names: c.119G>C, p.Ser40Thr (NM_001267578.2); c.119G>C (NM_015602.2); short protein forms S40T.
Identifiers: ClinVar variation 1300450 (VCV001300450.7), dbSNP rs768257163, ClinGen allele CA1268655.

ClinVar aggregate classification (germline): Uncertain significance. Review status: criteria provided, multiple submitters, no conflicts (2 of 4 stars). 4 submissions from 4 submitters: Uncertain significance (4). Last evaluated 2024-06-11.

Conditions:
Inborn genetic diseases. Identifiers: MedGen C0950123, MeSH D030342.
Autosomal recessive limb-girdle muscular dystrophy type 2Y (MRRSDC). Also called: Muscular dystrophy, limb-girdle, type 2y; Muscular dystrophy, autosomal recessive, with rigid spine and distal joint contractures. Identifiers: Orphanet 424261, MedGen C4511482, MONDO:0014900, OMIM 617072.

Allele frequency attached by ClinVar (database versions not stated): TOPMed 0.00003; ExAC 0.00005; gnomAD 0.00005 and 0.00006; gnomAD exomes 0.00006 and 0.00010.
gnomAD v4.1: 145 of 1,531,918 alleles (0.0095%); highest among the groups gnomAD compares: Non-Finnish European, 0.012%; no homozygotes.

Submissions (4):

GeneDx
Classification: Uncertain significance. Last evaluated: 2024-06-11. Review status: criteria provided, single submitter. Criteria: GeneDx Variant Classification Process June 2021. Collection method: clinical testing. Allele origin: germline. Affected: yes.
Comment: Not observed at significant frequency in large population cohorts (gnomAD); In silico analysis indicates that this missense variant does not alter protein structure/function; Has not been previously published as pathogenic or benign to our knowledge

Genome-Nilou Lab
Classification: Uncertain significance for Autosomal recessive limb-girdle muscular dystrophy type 2Y. Last evaluated: 2023-04-11. Review status: criteria provided, single submitter. Criteria: ACMG Guidelines, 2015. Collection method: clinical testing. Allele origin: germline. Affected: no.

Labcorp Genetics (formerly Invitae), Labcorp
Classification: Uncertain significance for Autosomal recessive limb-girdle muscular dystrophy type 2Y. Last evaluated: 2022-07-19. Review status: criteria provided, single submitter. Criteria: Invitae Variant Classification Sherloc (09022015). Collection method: clinical testing. Allele origin: germline.
Comment: This sequence change replaces serine, which is neutral and polar, with threonine, which is neutral and polar, at codon 40 of the TOR1AIP1 protein (p.Ser40Thr). This variant is present in population databases (rs768257163, gnomAD 0.01%). This variant has not been reported in the literature in individuals affected with TOR1AIP1-related conditions. ClinVar contains an entry for this variant (Variation ID: 1300450). Algorithms developed to predict the effect of missense changes on protein structure and function are either unavailable or do not agree on the potential impact of this missense change (SIFT: "Deleterious"; PolyPhen-2: "Possibly Damaging"; Align-GVGD: "Class C0"). In summary, the available evidence is currently insufficient to determine the role of this variant in disease. Therefore, it has been classified as a Variant of Uncertain Significance.

Ambry Genetics
Classification: Uncertain significance for Inborn genetic diseases. Last evaluated: 2021-06-18. Review status: criteria provided, single submitter. Criteria: Ambry Variant Classification Scheme 2023. Collection method: clinical testing. Allele origin: germline.